The following is an entry in ClinVar:

NM_001267550.2(TTN):c.25066C>T (p.Arg8356Cys)

Gene: TTN (titin; minus strand). Cytogenetic location: 2q31.2.
Variant type: single nucleotide variant.
Coding change: c.25066C>T on transcript NM_001267550.2 (MANE Select); coding-DNA position 25066, C replaced by T.
Protein change: p.Arg8356Cys; replaces arginine 8356 with cysteine.
Molecular consequence: missense variant. On other transcripts: intron variant (3).
Genome position (GRCh38, 1-based): chr2:178,717,808, G>A on the plus strand (C>T on the coding strand, the complement: TTN is on the minus strand). VCF-style: chr2-178717808-G-A. GRCh37 (hg19) VCF-style: chr2-179582535-G-A.
Other names: p.R8039C:CGC>TGC; c.21334C>T, p.Arg7112Cys (NM_133378.4); c.13282+20274C>T (NM_003319.4); c.13858+20274C>T (NM_133437.4); c.13657+20274C>T (NM_133432.3); c.24115C>T, p.Arg8039Cys (NM_001256850.1); short protein forms R8039C, R8356C, R7112C.
Identifiers: ClinVar variation 203333 (VCV000203333.26), dbSNP rs201810836, ClinGen allele CA312067.

ClinVar aggregate classification (germline): Conflicting classifications of pathogenicity. Review status: criteria provided, conflicting classifications (1 of 4 stars). 12 submissions from 8 submitters: Uncertain significance (5); Benign (2); Likely benign (4). 1 of the submissions does not count toward it. Last evaluated 2026-02-03.

Conditions:
TTN-related disorder. Also called: TTN-related disorders; TTN-related condition; TTN-related disease.
Autosomal recessive limb-girdle muscular dystrophy type 2J (LGMDR10). Also called: Limb-girdle muscular dystrophy, type 2J; MUSCULAR DYSTROPHY, LIMB-GIRDLE, AUTOSOMAL RECESSIVE 10. Identifiers: Orphanet 140922, MedGen C1837342, MONDO:0012127, OMIM 608807.
Dilated cardiomyopathy 1G (CMD1G). Identifiers: Orphanet 154, MedGen C1858763, MONDO:0011400, OMIM 604145.
Myopathy, myofibrillar, 9, with early respiratory failure (MFM9). Also called: Hereditary myopathy with early respiratory failure; EDSTROM MYOPATHY; MYOPATHY, PROXIMAL, WITH EARLY RESPIRATORY MUSCLE INVOLVEMENT; Myopathy, distal, with early respiratory failure, autosomal dominant. Identifiers: Orphanet 178464, Orphanet 34521, MedGen C1863599, MONDO:0011362, OMIM 603689.
Tibial muscular dystrophy (TMD). Also called: Tibial muscular dystrophy, tardive; Udd Distal Myopathy – Tibial Muscular Dystrophy; UDD MYOPATHY. Identifiers: Orphanet 609, MedGen C1838244, MONDO:0010870, OMIM 600334.
Early-onset myopathy with fatal cardiomyopathy (CMYO5). Also called: Salih Myopathy; CONGENITAL MYOPATHY 5 WITH CARDIOMYOPATHY. Identifiers: Orphanet 289377, MedGen C2673677, MONDO:0012714, OMIM 611705. Disease mechanism: loss of function.
Primary dilated cardiomyopathy (DCM). Also called: Dilated Cardiomyopathy. Identifiers: Orphanet 217604, MedGen C0007193, MeSH D002311, MONDO:0005021, HP:0001644. Inheritance: Various modes of inheritance.

Allele frequency attached by ClinVar (database versions not stated): gnomAD exomes 0.00010 and 0.00021; ExAC 0.00018; gnomAD 0.00022 and 0.00023; TOPMed 0.00024; 1000 Genomes Project 0.00060; 1000 Genomes Project 30x 0.00062.
gnomAD v4.1: 178 of 1,604,172 alleles (0.011%); highest among the groups gnomAD compares: East Asian, 0.096%; no homozygotes.

Submissions (12):

Labcorp Genetics (formerly Invitae), Labcorp
Classification: Likely benign for Dilated cardiomyopathy 1G; Autosomal recessive limb-girdle muscular dystrophy type 2J. Last evaluated: 2026-02-03. Review status: criteria provided, single submitter. Criteria: Invitae Variant Classification Sherloc (09022015). Collection method: clinical testing. Allele origin: germline.

Molecular Diagnostic Laboratory for Inherited Cardiovascular Disease, Montreal Heart Institute
Classification: Likely benign. Last evaluated: 2025-04-09. Review status: criteria provided, single submitter. Criteria: ACMG Guidelines, 2015. Collection method: clinical testing. Allele origin: germline. Affected: no.

Blueprint Genetics
Classification: Likely benign. Last evaluated: 2024-06-06. Review status: criteria provided, single submitter. Criteria: ACMG Guidelines, 2015. Collection method: clinical testing. Allele origin: germline.

GeneDx
Classification: Likely benign. Last evaluated: 2018-02-20. Review status: criteria provided, single submitter. Criteria: GeneDx Variant Classification (06012015). Collection method: clinical testing. Allele origin: germline. Affected: yes.
Comment: This variant is considered likely benign or benign based on one or more of the following criteria: it is a conservative change, it occurs at a poorly conserved position in the protein, it is predicted to be benign by multiple in silico algorithms, and/or has population frequency not consistent with disease.

Illumina Laboratory Services, Illumina
Classification: Uncertain significance for Dilated cardiomyopathy 1G. Last evaluated: 2018-01-13. Review status: criteria provided, single submitter. Criteria: ICSL Variant Classification Criteria 13 December 2019. Collection method: clinical testing. Allele origin: germline.

Illumina Laboratory Services, Illumina
Classification: Benign for Myopathy, myofibrillar, 9, with early respiratory failure. Last evaluated: 2018-01-13. Review status: criteria provided, single submitter. Criteria: ICSL Variant Classification Criteria 13 December 2019. Collection method: clinical testing. Allele origin: germline.
Comment: This variant was observed in the ICSL laboratory as part of a predisposition screen in an ostensibly healthy population. It had not been previously curated by ICSL or reported in the Human Gene Mutation Database (HGMD: prior to June 1st, 2018), and was therefore a candidate for classification through an automated scoring system. Utilizing variant allele frequency, disease prevalence and penetrance estimates, and inheritance mode, an automated score was calculated to assess if this variant is too frequent to cause the disease. Based on the score and internal cut-off values, a variant classified as benign is not then subjected to further curation. The score for this variant resulted in a classification of benign for this disease.

Illumina Laboratory Services, Illumina
Classification: Benign for Tibial muscular dystrophy. Last evaluated: 2018-01-13. Review status: criteria provided, single submitter. Criteria: ICSL Variant Classification Criteria 13 December 2019. Collection method: clinical testing. Allele origin: germline.
Comment: the same text as in the submission from Illumina Laboratory Services, Illumina above.

Illumina Laboratory Services, Illumina
Classification: Uncertain significance for Autosomal recessive limb-girdle muscular dystrophy type 2J. Last evaluated: 2018-01-13. Review status: criteria provided, single submitter. Criteria: ICSL Variant Classification Criteria 13 December 2019. Collection method: clinical testing. Allele origin: germline.

Illumina Laboratory Services, Illumina
Classification: Uncertain significance for Early-onset myopathy with fatal cardiomyopathy. Last evaluated: 2018-01-13. Review status: criteria provided, single submitter. Criteria: ICSL Variant Classification Criteria 13 December 2019. Collection method: clinical testing. Allele origin: germline.

Laboratory for Molecular Medicine, Mass General Brigham Personalized Medicine
Classification: Uncertain significance. Last evaluated: 2016-06-20. Review status: criteria provided, single submitter. Criteria: LMM Criteria. Collection method: clinical testing. Allele origin: germline. Observed: 1 variant allele.
Comment: The p.Arg7112Cys variant in TTN has not been previously reported in individuals with cardiomyopathy, but has been identified in 0.12% (10/8318) of East Asian ch romosomes by the Exome Aggregation Consortium (ExAC. org; dbSNP rs201810836). Computational prediction tools and conservation analysi s suggest that the p.Arg7112Cys variant may impact the protein, though this info rmation is not predictive enough to determine pathogenicity. In summary, the cli nical significance of the p.Arg7112Cys variant is uncertain.

Genetics and Genomics Program, Sidra Medicine
Classification: Uncertain significance for Primary dilated cardiomyopathy. Review status: criteria provided, single submitter. Criteria: ACMG Guidelines, 2015. Collection method: research. Allele origin: unknown. Affected: yes. Observed: 1 variant allele.

PreventionGenetics, part of Exact Sciences
Classification: Likely benign for TTN-related condition. Last evaluated: 2023-10-04. Review status: no assertion criteria provided. Collection method: clinical testing. Allele origin: germline. Not counted in ClinVar's aggregate classification.
Comment: This variant is classified as likely benign based on ACMG/AMP sequence variant interpretation guidelines (Richards et al. 2015 PMID: 25741868, with internal and published modifications).